The following is an entry in ClinVar:

NM_198880.3(QRICH1):c.1673A>G (p.Tyr558Cys)

Gene: QRICH1 (glutamine rich 1; minus strand). Cytogenetic location: 3p21.31.
Variant type: single nucleotide variant.
Coding change: c.1673A>G on transcript NM_198880.3 (MANE Select); coding-DNA position 1673, A replaced by G.
Protein change: p.Tyr558Cys; replaces tyrosine 558 with cysteine.
Molecular consequence: missense variant.
Genome position (GRCh38, 1-based): chr3:49,044,503, T>C on the plus strand (A>G on the coding strand, the complement: QRICH1 is on the minus strand). VCF-style: chr3-49044503-T-C. GRCh37 (hg19) VCF-style: chr3-49081936-T-C.
Other names: c.1673A>G, p.Tyr558Cys (NM_001320580.2, NM_001320581.2, NM_001320582.2 and 4 more transcripts); short protein forms Y558C.
Identifiers: ClinVar variation 4086380 (VCV004086380.1).
Genomic context (GRCh38, chr3:49,044,503, plus strand): 5'-GTGAACCGAACATAATAAAGATCGGAGAAAATGTCATCTACCCTTCCATTTTCAAAAAGA[T>C]ACTAAAAGAAAAACAATTAATAGAAGTTATTGGTAGTCTCCTGAACAAGGATTTCAGGGG-3'
Protein context (NP_942581.1, residues 548-568): LYYIFLCIQK[Tyr558Cys]LFENGRVDDI

ClinVar aggregate classification (germline): Uncertain significance (1 of 4 stars; one submission).

Submission:

GeneDx
Classification: Uncertain significance. Last evaluated: 2025-03-20. Review status: criteria provided, single submitter. Criteria: GeneDx Variant Classification Process June 2021. Collection method: clinical testing. Allele origin: germline. Affected: yes.
Comment: Not observed at significant frequency in large population cohorts (gnomAD); In silico analysis supports that this missense variant has a deleterious effect on protein structure/function; Has not been previously published as pathogenic or benign to our knowledge